The following is an entry in ClinVar:

NM_000540.3(RYR1):c.2777A>C (p.Glu926Ala)

Gene: RYR1 (ryanodine receptor 1; plus strand). Cytogenetic location: 19q13.2.
Variant type: single nucleotide variant.
Coding change: c.2777A>C on transcript NM_000540.3 (MANE Select); coding-DNA position 2777, A replaced by C.
Protein change: p.Glu926Ala; replaces glutamic acid 926 with alanine.
Molecular consequence: missense variant.
Genome position (GRCh38, 1-based): chr19:38,463,841, A>C. VCF-style: chr19-38463841-A-C. GRCh37 (hg19) VCF-style: chr19-38954481-A-C.
Other names: c.2777A>C, p.Glu926Ala (NM_001042723.2); short protein forms E926A.
Identifiers: ClinVar variation 3070268 (VCV003070268.3), dbSNP rs2514077868, ClinGen allele CA405632773.

ClinVar aggregate classification (germline): Uncertain significance. Review status: criteria provided, multiple submitters, no conflicts (2 of 4 stars). 2 submissions from 2 submitters: Uncertain significance (2). Last evaluated 2025-07-07.

Conditions:
Malignant hyperthermia, susceptibility to, 1 (MHS1). Also called: RYR1-Related Malignant Hyperthermia Susceptibility; Anesthesia related hyperthermia; Malignant hyperpyrexia; Fulminating hyperpyrexia; Pharmacogenic myopathy; Malignant hyperthermia suceptibility 1. Identifiers: Orphanet 423, MedGen C2930980, MONDO:0007783, OMIM 145600.

Allele frequency attached by ClinVar (database versions not stated): gnomAD exomes below 0.00001.
gnomAD v4.1: 1 of 1,612,774 alleles (0.000062%); highest among the groups gnomAD compares: Admixed American, 0.0017%; no homozygotes.

Submissions (2):

Color Diagnostics, LLC DBA Color Health
Classification: Uncertain significance for Malignant hyperthermia, susceptibility to, 1. Last evaluated: 2025-07-07. Review status: criteria provided, single submitter. Criteria: ACMG Guidelines, 2015. Collection method: clinical testing. Allele origin: germline.
Comment: This missense variant replaces glutamic acid with alanine at codon 926 of the RYR1 protein. Computational prediction suggests that this variant may have deleterious impact on protein structure and function. To our knowledge, functional studies have not been reported for this variant. This variant has not been reported in individuals affected with RYR1-related disorders in the literature. This variant has not been identified in the general population by the Genome Aggregation Database (gnomAD). The available evidence is insufficient to determine the role of this variant in disease conclusively. Therefore, this variant is classified as a Variant of Uncertain Significance.

All of Us Research Program, National Institutes of Health
Classification: Uncertain significance for Malignant hyperthermia, susceptibility to, 1. Last evaluated: 2024-03-05. Review status: criteria provided, single submitter. Criteria: ACMG Guidelines, 2015. Collection method: clinical testing. Allele origin: germline. Inheritance: Autosomal dominant inheritance. Observed: 2 variant alleles, 2 heterozygotes.
Comment: This missense variant replaces glutamic acid with alanine at codon 926 of the RYR1 protein. Computational prediction suggests that this variant may have deleterious impact on protein structure and function (internally defined REVEL score threshold >= 0.7, PMID: 27666373). To our knowledge, functional studies have not been reported for this variant. This variant has not been reported in individuals affected with RYR1-related disorders in the literature. This variant has not been identified in the general population by the Genome Aggregation Database (gnomAD). The available evidence is insufficient to determine the role of this variant in disease conclusively. Therefore, this variant is classified as a Variant of Uncertain Significance.

This study involves interpretation of variants in research participants for the purpose of population health screening. Participant phenotype was not available at the time of variant classification. Additional details can be found in publication PMID: 35346344, PMCID: PMC8962531